The following is an entry in ClinVar:

ClinVar aggregate classification (germline): Conflicting classifications of pathogenicity. Review status: criteria provided, conflicting classifications (1 of 4 stars). 7 submissions from 7 submitters: Likely pathogenic (1); Uncertain significance (3). 3 of the submissions do not count toward it. Last evaluated 2024-04-18.

Conditions:
Classic homocystinuria. Also called: Homocystinuria due to Cystathionine Beta-Synthase Deficiency; Homocystinuria due to CBS deficiency; Cystathionine beta-synthase deficiency; CBS deficiency; HOMOCYSTINURIA WITH OR WITHOUT RESPONSE TO PYRIDOXINE. Identifiers: Orphanet 394, MedGen C0751202, MONDO:0009352, OMIM 236200.
Familial thoracic aortic aneurysm and aortic dissection (TAAD). Also called: Thoracic aortic aneurysms and dissections. Identifiers: Orphanet 91387, MedGen C4707243, MONDO:0019625.
HYPERHOMOCYSTEINEMIA, THROMBOTIC, CBS-RELATED. Identifiers: MedGen C3150344, OMIM 236200.

Submissions (7):

Department of Clinical Genetics, Copenhagen University Hospital, Rigshospitalet
Classification: Likely pathogenic for Classic homocystinuria. Last evaluated: 2024-04-18. Review status: criteria provided, single submitter. Criteria: ACMG Guidelines, 2015. Collection method: clinical testing. Allele origin: germline.
Comment: PP4_M, PM3_M, PM2_SUP, PP3_Sup

Labcorp Genetics (formerly Invitae), Labcorp
Classification: Uncertain significance for HYPERHOMOCYSTEINEMIA, THROMBOTIC, CBS-RELATED. Last evaluated: 2021-09-17. Review status: criteria provided, single submitter. Criteria: Invitae Variant Classification Sherloc (09022015). Collection method: clinical testing. Allele origin: germline.
Comment: This sequence change replaces proline with leucine at codon 422 of the CBS protein (p.Pro422Leu). The proline residue is highly conserved and there is a moderate physicochemical difference between proline and leucine. This variant is not present in population databases (ExAC no frequency). This variant has been observed in individual(s) with homocystinuria (PMID: 12007221). ClinVar contains an entry for this variant (Variation ID: 129). Algorithms developed to predict the effect of missense changes on protein structure and function are either unavailable or do not agree on the potential impact of this missense change (SIFT: "Tolerated"; PolyPhen-2: "Possibly Damaging"; Align-GVGD: "Class C0"). Experimental studies are conflicting or provide insufficient evidence to determine the effect of this variant on CBS function (PMID: 12007221, 20506325, 22267502, 22612060, 25331909). In summary, the available evidence is currently insufficient to determine the role of this variant in disease. Therefore, it has been classified as a Variant of Uncertain Significance.

GeneDx
Classification: Uncertain significance. Last evaluated: 2020-10-29. Review status: criteria provided, single submitter. Criteria: GeneDx Variant Classification Process June 2021. Collection method: clinical testing. Allele origin: germline. Affected: yes.
Comment: Not observed in large population cohorts (Lek et al., 2016); In silico analysis supports that this missense variant has a deleterious effect on protein structure/function; This variant is associated with the following publications: (PMID: 22985361, 22267502, 20490928, 20308073, 19888216, 20506325, 22612060, 12007221, 10780316, 25331909)

Ambry Genetics
Classification: Uncertain significance for Familial thoracic aortic aneurysm and aortic dissection. Last evaluated: 2020-03-05. Review status: criteria provided, single submitter. Criteria: Ambry Variant Classification Scheme 2023. Collection method: clinical testing. Allele origin: germline.
Comment: The p.P422L variant (also known as c.1265C>T), located in coding exon 12 of the CBS gene, results from a C to T substitution at nucleotide position 1265. The proline at codon 422 is replaced by leucine, an amino acid with similar properties. This variant has been reported in at least two individuals with high homocysteine levels, one of whom had history of thrombosis and the other ischemic attacks, but both lacked significant connective tissue findings; these individuals were both compound heterozygotes with a second CBS variant, although phase information was not provided (Gaustadnes M et al. Thromb. Haemost., 2000 Apr;83:554-8; Maclean KN et al. Hum. Mutat., 2002 Jun;19:641-55). Results of functional studies have shown no significant impact on protein expression and stability, but possible differences in protein interactions were suggested in some assays; the clinical impact of these findings is unclear (Maclean KN et al. Hum. Mutat., 2002 Jun;19:641-55; Mayfield JA et al. Genetics, 2012 Apr;190:1309-23; Hn&iacute;zda A et al. Biochemistry, 2012 06;51:4755-63; Melenovsk&aacute; P et al. J. Inherit. Metab. Dis., 2015 Mar;38:287-94). This amino acid position is highly conserved in available vertebrate species. In addition, this alteration is predicted to be deleterious by in silico analysis. Since supporting evidence is limited at this time, the clinical significance of this alteration remains unclear.

Natera, Inc.
Classification: Uncertain significance for Homocystinuria due to cystathionine beta-synthase deficiency. Last evaluated: 2020-09-16. Review status: no assertion criteria provided. Collection method: clinical testing. Allele origin: germline. Not counted in ClinVar's aggregate classification.

Counsyl
Classification: Uncertain significance for Classic homocystinuria. Last evaluated: 2017-01-31. Review status: no assertion criteria provided. Collection method: clinical testing. Allele origin: unknown. Not counted in ClinVar's aggregate classification.

OMIM
Classification: Pathogenic for HYPERHOMOCYSTEINEMIA, THROMBOTIC, CBS-RELATED. Last evaluated: 2000-04-01. Review status: no assertion criteria provided. Collection method: literature only. Allele origin: germline. Not counted in ClinVar's aggregate classification.

Literature cited by the submitters: PubMed 12007221 (cited by 3 submitters); PubMed 20506325 (cited by Labcorp Genetics (formerly Invitae), Labcorp and Ambry Genetics); PubMed 22267502 (cited by 3 submitters); PubMed 22612060 (cited by 3 submitters); PubMed 25331909 (cited by 3 submitters); PubMed 10780316 (cited by Ambry Genetics and OMIM); PubMed 20308073 (cited by Ambry Genetics); PubMed 20490928 (cited by Ambry Genetics).

NM_000071.3(CBS):c.1265C>T (p.Pro422Leu)

Gene: CBS (cystathionine beta-synthase; minus strand). Cytogenetic location: 21q22.3.
Variant type: single nucleotide variant.
Coding change: c.1265C>T on transcript NM_000071.3 (MANE Select); coding-DNA position 1265, C replaced by T.
Protein change: p.Pro422Leu; replaces proline 422 with leucine.
Molecular consequence: missense variant.
Genome position (GRCh38, 1-based): chr21:43,058,927, G>A on the plus strand (C>T on the coding strand, the complement: CBS is on the minus strand). VCF-style: chr21-43058927-G-A. GRCh37 (hg19) VCF-style: chr21-44479037-G-A.
Other names: c.1265C>T, p.Pro422Leu (NM_001178008.3, NM_001178009.3, NM_001320298.2); c.950C>T, p.Pro317Leu (NM_001321072.1); short protein forms P422L, P317L.
Identifiers: ClinVar variation 129 (VCV000000129.13), dbSNP rs28934892, ClinGen allele CA113898.